The following is an entry in ClinVar:

ClinVar aggregate classification (germline): Uncertain significance (1 of 4 stars; one submission).

Conditions:
Ehlers-Danlos syndrome, type 4 (EDSVASC). Also called: Ehlers-Danlos syndrome vascular type; Ehlers Danlos syndrome, ecchymotic type; Ehlers Danlos syndrome, arterial type; Ehlers Danlos syndrome, Sack-Barabas type; Ehlers-Danlos Syndrome Type IV. Identifiers: Orphanet 286, MedGen C0268338, MONDO:0017314, OMIM 130050.

Submission:

Labcorp Genetics (formerly Invitae), Labcorp
Classification: Uncertain significance for Ehlers-Danlos syndrome, type 4. Last evaluated: 2021-01-21. Review status: criteria provided, single submitter. Criteria: Invitae Variant Classification Sherloc (09022015). Collection method: clinical testing. Allele origin: germline.
Comment: This sequence change falls in intron 41 of the COL3A1 gene. It does not directly change the encoded amino acid sequence of the COL3A1 protein. It affects a nucleotide within the consensus splice site of the intron. This variant is not present in population databases (ExAC no frequency). This variant has not been reported in the literature in individuals with COL3A1-related conditions. Nucleotide substitutions within the consensus splice site are a relatively common cause of aberrant splicing (PMID: 17576681, 9536098). Algorithms developed to predict the effect of sequence changes on RNA splicing suggest that this variant may disrupt the consensus splice site, but this prediction has not been confirmed by published transcriptional studies. In summary, the available evidence is currently insufficient to determine the role of this variant in disease. Therefore, it has been classified as a Variant of Uncertain Significance.

Literature cited by the submitters: PubMed 17576681; PubMed 9536098.

NM_000090.4(COL3A1):c.3040-3C>G

Gene: COL3A1 (collagen type III alpha 1 chain; plus strand). Cytogenetic location: 2q32.2.
Variant type: single nucleotide variant.
Coding change: c.3040-3C>G on transcript NM_000090.4 (MANE Select); 3 bases into the intron before coding-DNA position 3040, C replaced by G.
Molecular consequence: intron variant.
Genome position (GRCh38, 1-based): chr2:189,006,203, C>G. VCF-style: chr2-189006203-C-G. GRCh37 (hg19) VCF-style: chr2-189870929-C-G.
Identifiers: ClinVar variation 1419609 (VCV001419609.3), dbSNP rs2153503706, ClinGen allele CA2573134200.